The following is an entry in ClinVar:

ClinVar aggregate classification (germline): Uncertain significance (1 of 4 stars; one submission).

Submission:

Labcorp Genetics (formerly Invitae), Labcorp
Classification: Uncertain significance. Last evaluated: 2025-12-05. Review status: criteria provided, single submitter. Criteria: Invitae Variant Classification Sherloc (09022015). Collection method: clinical testing. Allele origin: germline.
Comment: This sequence change replaces glutamic acid, which is acidic and polar, with lysine, which is basic and polar, at codon 361 of the ANKRD26 protein (p.Glu361Lys). This variant is not present in population databases (gnomAD no frequency). This variant has not been reported in the literature in individuals affected with ANKRD26-related conditions. An algorithm developed to predict the effect of missense changes on protein structure and function outputs the following: PolyPhen-2: "Benign". The lysine amino acid residue is found in multiple mammalian species, which suggests that this missense change does not adversely affect protein function. In summary, the available evidence is currently insufficient to determine the role of this variant in disease. Therefore, it has been classified as a Variant of Uncertain Significance.

NM_014915.3(ANKRD26):c.1081G>A (p.Glu361Lys)

Gene: ANKRD26 (ankyrin repeat domain 26; minus strand). Cytogenetic location: 10p12.1.
Variant type: single nucleotide variant.
Coding change: c.1081G>A on transcript NM_014915.3 (MANE Select); coding-DNA position 1081, G replaced by A.
Protein change: p.Glu361Lys; replaces glutamic acid 361 with lysine.
Molecular consequence: missense variant.
Genome position (GRCh38, 1-based): chr10:27,067,283, C>T on the plus strand (G>A on the coding strand, the complement: ANKRD26 is on the minus strand). VCF-style: chr10-27067283-C-T. GRCh37 (hg19) VCF-style: chr10-27356212-C-T.
Other names: c.1081G>A, p.Glu361Lys (NM_001256053.2); short protein forms E361K.
Identifiers: ClinVar variation 4747887 (VCV004747887.1).